The following is an entry in ClinVar:

ClinVar aggregate classification (germline): Uncertain significance (1 of 4 stars; one submission).

Conditions:
Hermansky-Pudlak syndrome 2 (HPS2). Also called: Platelet defects and oculocutaneous albinism. Identifiers: Orphanet 183678, Orphanet 79430, MedGen C1842362, MONDO:0011997, OMIM 608233.

Allele frequency attached by ClinVar (database versions not stated): gnomAD exomes below 0.00001.
gnomAD v4.1: 3 of 1,613,774 alleles (0.00019%); highest among the groups gnomAD compares: Non-Finnish European, 0.00017%; no homozygotes.

Submission:

Labcorp Genetics (formerly Invitae), Labcorp
Classification: Uncertain significance for Hermansky-Pudlak syndrome 2. Last evaluated: 2025-04-14. Review status: criteria provided, single submitter. Criteria: Invitae Variant Classification Sherloc (09022015). Collection method: clinical testing. Allele origin: germline.
Comment: This sequence change replaces isoleucine, which is neutral and non-polar, with valine, which is neutral and non-polar, at codon 480 of the AP3B1 protein (p.Ile480Val). This variant is not present in population databases (gnomAD no frequency). This variant has not been reported in the literature in individuals affected with AP3B1-related conditions. ClinVar contains an entry for this variant (Variation ID: 1985288). An algorithm developed to predict the effect of missense changes on protein structure and function (PolyPhen-2) suggests that this variant is likely to be tolerated. In summary, the available evidence is currently insufficient to determine the role of this variant in disease. Therefore, it has been classified as a Variant of Uncertain Significance.

NM_003664.5(AP3B1):c.1438A>G (p.Ile480Val)

Gene: AP3B1 (adaptor related protein complex 3 subunit beta 1; minus strand). Cytogenetic location: 5q14.1.
Variant type: single nucleotide variant.
Coding change: c.1438A>G on transcript NM_003664.5 (MANE Select); coding-DNA position 1438, A replaced by G.
Protein change: p.Ile480Val; replaces isoleucine 480 with valine.
Molecular consequence: missense variant.
Genome position (GRCh38, 1-based): chr5:78,156,293, T>C on the plus strand (A>G on the coding strand, the complement: AP3B1 is on the minus strand). VCF-style: chr5-78156293-T-C. GRCh37 (hg19) VCF-style: chr5-77452117-T-C.
Other names: c.1291A>G, p.Ile431Val (NM_001271769.2); c.1438A>G, p.Ile480Val (NM_001410752.1); short protein forms I431V, I480V.
Identifiers: ClinVar variation 1985288 (VCV001985288.4), dbSNP rs2531063481, ClinGen allele CA360189190.
Genomic context (GRCh38, chr5:78,156,293, plus strand): 5'-CAAACATCTCTTAATTGATACTCACAGTGATACTGTCCAGGAGTTTGGCCATATGTTTAA[T>C]AATTTCACCATGTTGTGCAGGTTGCATTTGCAGTAATTTCTTTATAACAACCACACTTTC-3'
Protein context (NP_003655.3, residues 470-490): QMQPAQHGEI[Ile480Val]KHMAKLLDSI